The following is an entry in ClinVar:

ClinVar aggregate classification (germline): Likely benign (0 of 4 stars; one submission).

Conditions:
BLTP1-related disorder. Also called: BLTP1-related condition.

Allele frequency attached by ClinVar (database versions not stated): ExAC 0.00003; gnomAD exomes 0.00004; gnomAD 0.00007; TOPMed 0.00015; ESP Exome Variant Server 0.00025.
gnomAD v4.1: 64 of 1,613,228 alleles (0.004%); highest among the groups gnomAD compares: African/African-American, 0.037%; no homozygotes.

Submission:

PreventionGenetics, part of Exact Sciences
Classification: Likely benign for BLTP1-related condition. Last evaluated: 2021-02-03. Review status: no assertion criteria provided. Collection method: clinical testing. Allele origin: germline.
Comment: This variant is classified as likely benign based on ACMG/AMP sequence variant interpretation guidelines (Richards et al. 2015 PMID: 25741868, with internal and published modifications).

NM_001384125.1(BLTP1):c.1422G>A (p.Pro474=)

Gene: BLTP1 (bridge-like lipid transfer protein family member 1; plus strand). Cytogenetic location: 4q27.
Variant type: single nucleotide variant.
Coding change: c.1422G>A on transcript NM_001384125.1 (MANE Select); coding-DNA position 1422, G replaced by A.
Protein change: p.Pro474=; no amino-acid change (proline 474 retained).
Molecular consequence: synonymous variant.
Genome position (GRCh38, 1-based): chr4:122,201,050, G>A. VCF-style: chr4-122201050-G-A. GRCh37 (hg19) VCF-style: chr4-123122205-G-A.
Other names: c.1422G>A, p.Pro474= (NM_015312.4).
Identifiers: ClinVar variation 3049027 (VCV003049027.2), dbSNP rs367630109, ClinGen allele CA3065638.